The following is an entry in ClinVar:

NM_178857.6(RP1L1):c.5456C>T (p.Ala1819Val)

Gene: RP1L1 (RP1 like 1). Cytogenetic location: 8p23.1.
Variant type: single nucleotide variant.
Coding change: c.5456C>T on transcript NM_178857.6 (MANE Select); coding-DNA position 5456, C replaced by T.
Protein change: p.Ala1819Val; replaces alanine 1819 with valine.
Molecular consequence: missense variant.
Genome position (GRCh38, 1-based): chr8:10,608,642, G>A on the plus strand (C>T on the coding strand, the complement: RP1L1 is on the minus strand). VCF-style: chr8-10608642-G-A. GRCh37 (hg19) VCF-style: chr8-10466152-G-A.
Other names: c.5456C>T (NM_178857.5); short protein forms A1819V.
Identifiers: ClinVar variation 4898970 (VCV004898970.2).

ClinVar aggregate classification (germline): Conflicting classifications of pathogenicity. Review status: criteria provided, conflicting classifications (1 of 4 stars). 2 submissions from 2 submitters: Uncertain significance (1); Likely benign (1). Last evaluated 2025-07-16.

Conditions:
RP1L1-related disorder. Also called: RP1L1-related condition.

gnomAD v4.1: 232 of 1,613,956 alleles (0.014%); highest among the groups gnomAD compares: Non-Finnish European, 0.013%; 1 homozygote.

Submissions (2):

PreventionGenetics, part of Exact Sciences
Classification: Uncertain significance for RP1L1-related condition. Last evaluated: 2025-07-16. Review status: criteria provided, single submitter. Criteria: ACMG Guidelines, 2015. Collection method: clinical testing. Allele origin: germline.
Comment: The RP1L1 c.5456C>T variant is predicted to result in the amino acid substitution p.Ala1819Val. To our knowledge, this variant has not been reported in the literature. This variant is reported in 0.076% of alleles in individuals of European (Finnish) descent in gnomAD. Although we suspect that this variant may be benign, at this time, the clinical significance of this variant is uncertain due to the absence of conclusive functional and genetic evidence.

Blueprint Genetics
Classification: Likely benign. Last evaluated: 2023-09-29. Review status: criteria provided, single submitter. Criteria: ACMG Guidelines, 2015. Collection method: clinical testing. Allele origin: germline.